The following is an entry in ClinVar:

NM_004356.4(CD81):c.670A>G (p.Met224Val)

Gene: CD81 (CD81 molecule; plus strand). Cytogenetic location: 11p15.5.
Variant type: single nucleotide variant.
Coding change: c.670A>G on transcript NM_004356.4 (MANE Select); coding-DNA position 670, A replaced by G.
Protein change: p.Met224Val; replaces methionine 224 with valine.
Molecular consequence: missense variant.
Genome position (GRCh38, 1-based): chr11:2,396,825, A>G. VCF-style: chr11-2396825-A-G. GRCh37 (hg19) VCF-style: chr11-2418055-A-G.
Other names: c.457A>G, p.Met153Val (NM_001297649.2); short protein forms M153V, M224V.
Identifiers: ClinVar variation 2089003 (VCV002089003.4), dbSNP rs2496548211, ClinGen allele CA379125477.

ClinVar aggregate classification (germline): Uncertain significance (1 of 4 stars; one submission).

Submission:

Labcorp Genetics (formerly Invitae), Labcorp
Classification: Uncertain significance. Last evaluated: 2022-08-19. Review status: criteria provided, single submitter. Criteria: Invitae Variant Classification Sherloc (09022015). Collection method: clinical testing. Allele origin: germline.
Comment: In summary, the available evidence is currently insufficient to determine the role of this variant in disease. Therefore, it has been classified as a Variant of Uncertain Significance. Algorithms developed to predict the effect of missense changes on protein structure and function are either unavailable or do not agree on the potential impact of this missense change (SIFT: "Tolerated"; PolyPhen-2: "Possibly Damaging"; Align-GVGD: "Class C0"). This variant has not been reported in the literature in individuals affected with CD81-related conditions. This variant is not present in population databases (gnomAD no frequency). This sequence change replaces methionine, which is neutral and non-polar, with valine, which is neutral and non-polar, at codon 224 of the CD81 protein (p.Met224Val).